The following is an entry in ClinVar:

NM_000218.3(KCNQ1):c.1654C>A (p.Leu552Ile)

Gene: KCNQ1 (potassium voltage-gated channel subfamily Q member 1; plus strand). Cytogenetic location: 11p15.5.
Variant type: single nucleotide variant.
Coding change: c.1654C>A on transcript NM_000218.3 (MANE Select); coding-DNA position 1654, C replaced by A.
Protein change: p.Leu552Ile; replaces leucine 552 with isoleucine.
Molecular consequence: missense variant.
Genome position (GRCh38, 1-based): chr11:2,776,023, C>A. VCF-style: chr11-2776023-C-A. GRCh37 (hg19) VCF-style: chr11-2797253-C-A.
Other names: c.1558C>A, p.Leu520Ile (NM_001406836.1); c.1384C>A, p.Leu462Ile (NM_001406837.1); c.1114C>A, p.Leu372Ile (NM_001406838.1); c.1273C>A, p.Leu425Ile (NM_181798.2); short protein forms L425I, L552I, L372I, L462I, L520I.
Identifiers: ClinVar variation 1331959 (VCV001331959.6), dbSNP rs780896003, ClinGen allele CA379139189.

ClinVar aggregate classification (germline): Uncertain significance (1 of 4 stars; one submission).

Conditions:
Cardiac arrhythmia. Also called: Arrhythmia; Cardiac rhythm disease. Identifiers: MedGen C0003811, MONDO:0007263, HP:0011675.

gnomAD v4.1: 3 of 1,572,628 alleles (0.00019%); highest among the groups gnomAD compares: Non-Finnish European, 0.00026%; no homozygotes.

Submission:

Color Diagnostics, LLC DBA Color Health
Classification: Uncertain significance for Cardiac arrhythmia. Last evaluated: 2025-07-29. Review status: criteria provided, single submitter. Criteria: ACMG Guidelines, 2015. Collection method: clinical testing. Allele origin: germline.
Comment: This missense variant replaces leucine with isoleucine at codon 552 of the KCNQ1 protein. This variant is located within the conserved C-terminal cytoplasmic domain (a.a. 349-676) of the KCNQ1 protein. Rare non-truncating variants in this region have been shown to be significantly overrepresented in individuals with long QT syndrome (PMID: 32893267). Computational prediction suggests that this variant may have a deleterious impact on protein structure and function. To our knowledge, functional studies have not been reported for this variant. This variant has not been reported in individuals affected with KCNQ1-related disorders in the literature. This variant has not been identified in the general population by the Genome Aggregation Database (gnomAD). The available evidence is insufficient to determine the role of this variant in disease conclusively. Therefore, this variant is classified as a Variant of Uncertain Significance.

Literature cited by the submitters: PubMed 32893267.